The following is an entry in ClinVar:

ClinVar aggregate classification (germline): Uncertain significance (1 of 4 stars; one submission).

Conditions:
Neurofibromatosis, type 2 (SWNV). Also called: SCHWANNOMATOSIS, VESTIBULAR; BILATERAL ACOUSTIC NEUROFIBROMATOSIS; NF2-Related Schwannomatosis. Identifiers: Orphanet 637, MedGen C0027832, MONDO:0007039, OMIM 101000. Disease mechanism: loss of function.

Submission:

Labcorp Genetics (formerly Invitae), Labcorp
Classification: Uncertain significance for Neurofibromatosis, type 2. Last evaluated: 2023-09-28. Review status: criteria provided, single submitter. Criteria: Invitae Variant Classification Sherloc (09022015). Collection method: clinical testing. Allele origin: germline.
Comment: In summary, the available evidence is currently insufficient to determine the role of this variant in disease. Therefore, it has been classified as a Variant of Uncertain Significance. Variants that disrupt the consensus splice site are a relatively common cause of aberrant splicing (PMID: 17576681, 9536098). Studies have shown that this variant is associated with altered splicing resulting in unknown protein product impact (Invitae). This variant has been observed in individual(s) with bilateral acoustic neuromas (Invitae). This variant is not present in population databases (gnomAD no frequency). This sequence change affects codon 225 of the NF2 mRNA. It is a 'silent' change, meaning that it does not change the encoded amino acid sequence of the NF2 protein. This variant also falls at the last nucleotide of exon 7, which is part of the consensus splice site for this exon.

Literature cited by the submitters: PubMed 17576681; PubMed 9536098.

NM_000268.4(NF2):c.675G>C (p.Arg225=)

Gene: NF2 (NF2, moesin-ezrin-radixin like (MERLIN) tumor suppressor; plus strand). Cytogenetic location: 22q12.2.
Variant type: single nucleotide variant.
Coding change: c.675G>C on transcript NM_000268.4 (MANE Select); coding-DNA position 675, G replaced by C.
Protein change: p.Arg225=; no amino-acid change (arginine 225 retained).
Molecular consequence: synonymous variant. On other transcripts: intron variant (1).
Genome position (GRCh38, 1-based): chr22:29,658,264, G>C. VCF-style: chr22-29658264-G-C. GRCh37 (hg19) VCF-style: chr22-30054253-G-C.
Other names: c.549G>C, p.Arg183= (NM_001407055.1, NM_181828.3); c.561G>C, p.Arg187= (NM_001407056.1, NM_001407053.1); c.675G>C, p.Arg225= (NM_001407057.1, NM_001407059.1, NM_001407060.1 and 4 more transcripts); c.552G>C, p.Arg184= (NM_001407058.1, NM_001407062.1, NM_181829.3 and 1 more transcripts); c.426G>C, p.Arg142= (NM_001407063.1, NM_001407064.1, NM_181830.3 and 1 more transcripts); c.141G>C, p.Arg47= (NM_001407065.1); c.444G>C, p.Arg148= (NM_001407067.1); c.447+15979G>C (NM_181833.3).
Identifiers: ClinVar variation 2751214 (VCV002751214.3), dbSNP rs1569295986, ClinGen allele CA514182845.